The following is an entry in ClinVar:

ClinVar aggregate classification (germline): Uncertain significance (1 of 4 stars; one submission).

Conditions:
Chédiak-Higashi syndrome (CHS). Also called: Chediak-Higashi Syndrome. Identifiers: Orphanet 167, MedGen C0007965, MONDO:0008963, OMIM 214500.

Submission:

Labcorp Genetics (formerly Invitae), Labcorp
Classification: Uncertain significance for Chédiak-Higashi syndrome. Last evaluated: 2021-12-15. Review status: criteria provided, single submitter. Criteria: Invitae Variant Classification Sherloc (09022015). Collection method: clinical testing. Allele origin: germline.
Comment: In summary, the available evidence is currently insufficient to determine the role of this variant in disease. Therefore, it has been classified as a Variant of Uncertain Significance. Algorithms developed to predict the effect of missense changes on protein structure and function (SIFT, PolyPhen-2, Align-GVGD) all suggest that this variant is likely to be tolerated. This variant has not been reported in the literature in individuals affected with LYST-related conditions. This variant is not present in population databases (gnomAD no frequency). This sequence change replaces arginine, which is basic and polar, with glycine, which is neutral and non-polar, at codon 397 of the LYST protein (p.Arg397Gly).

NM_000081.4(LYST):c.1189A>G (p.Arg397Gly)

Gene: LYST (lysosomal trafficking regulator; minus strand). Cytogenetic location: 1q42.3.
Variant type: single nucleotide variant.
Coding change: c.1189A>G on transcript NM_000081.4 (MANE Select); coding-DNA position 1189, A replaced by G.
Protein change: p.Arg397Gly; replaces arginine 397 with glycine.
Molecular consequence: missense variant.
Genome position (GRCh38, 1-based): chr1:235,809,629, T>C on the plus strand (A>G on the coding strand, the complement: LYST is on the minus strand). VCF-style: chr1-235809629-T-C. GRCh37 (hg19) VCF-style: chr1-235972929-T-C.
Other names: c.1189A>G, p.Arg397Gly (NM_001301365.1); short protein forms R397G.
Identifiers: ClinVar variation 1523358 (VCV001523358.5), dbSNP rs538193441, ClinGen allele CA344962965.